The following is an entry in ClinVar:

NM_014989.7(RIMS1):c.686C>G (p.Ser229Cys)

Gene: RIMS1 (regulating synaptic membrane exocytosis 1; plus strand). Cytogenetic location: 6q13.
Variant type: single nucleotide variant.
Coding change: c.686C>G on transcript NM_014989.7 (MANE Select); coding-DNA position 686, C replaced by G.
Protein change: p.Ser229Cys; replaces serine 229 with cysteine.
Molecular consequence: missense variant.
Genome position (GRCh38, 1-based): chr6:72,179,789, C>G. VCF-style: chr6-72179789-C-G. GRCh37 (hg19) VCF-style: chr6-72889492-C-G.
Other names: c.686C>G (NM_014989.4); short protein forms S229C.
Identifiers: ClinVar variation 1720544 (VCV001720544.6), dbSNP rs924934775, ClinGen allele CA141417254.

ClinVar aggregate classification (germline): Uncertain significance. Review status: criteria provided, multiple submitters, no conflicts (2 of 4 stars). 2 submissions from 2 submitters: Uncertain significance (2). Last evaluated 2025-11-20.

Allele frequency attached by ClinVar (database versions not stated): gnomAD exomes below 0.00001.
gnomAD v4.1: 3 of 1,613,696 alleles (0.00019%); highest among the groups gnomAD compares: African/African-American, 0.004%; no homozygotes.

Submissions (2):

Ambry Genetics
Classification: Uncertain significance. Last evaluated: 2025-11-20. Review status: criteria provided, single submitter. Criteria: Ambry Variant Classification Scheme 2023. Collection method: clinical testing. Allele origin: germline.

Labcorp Genetics (formerly Invitae), Labcorp
Classification: Uncertain significance. Last evaluated: 2022-09-27. Review status: criteria provided, single submitter. Criteria: Invitae Variant Classification Sherloc (09022015). Collection method: clinical testing. Allele origin: germline.
Comment: This variant has not been reported in the literature in individuals affected with RIMS1-related conditions. This variant is not present in population databases (gnomAD no frequency). This sequence change replaces serine, which is neutral and polar, with cysteine, which is neutral and slightly polar, at codon 229 of the RIMS1 protein (p.Ser229Cys). Algorithms developed to predict the effect of missense changes on protein structure and function output the following: SIFT: "Deleterious"; PolyPhen-2: "Benign"; Align-GVGD: "Class C0". The cysteine amino acid residue is found in multiple mammalian species, which suggests that this missense change does not adversely affect protein function. In summary, the available evidence is currently insufficient to determine the role of this variant in disease. Therefore, it has been classified as a Variant of Uncertain Significance.